The following is an entry in ClinVar:

ClinVar aggregate classification (germline): Uncertain significance. Review status: criteria provided, multiple submitters, no conflicts (2 of 4 stars). 2 submissions from 2 submitters: Uncertain significance (2). Last evaluated 2025-09-08.

Allele frequency attached by ClinVar (database versions not stated): ExAC 0.00003; gnomAD 0.00003 and 0.00004; TOPMed 0.00003.
gnomAD v4.1: 40 of 1,613,986 alleles (0.0025%); highest among the groups gnomAD compares: Middle Eastern, 0.016%; no homozygotes.

Submissions (2):

Labcorp Genetics (formerly Invitae), Labcorp
Classification: Uncertain significance. Last evaluated: 2025-09-08. Review status: criteria provided, single submitter. Criteria: Invitae Variant Classification Sherloc (09022015). Collection method: clinical testing. Allele origin: germline.
Comment: This sequence change replaces aspartic acid, which is acidic and polar, with asparagine, which is neutral and polar, at codon 4729 of the HMCN1 protein (p.Asp4729Asn). This variant is present in population databases (rs751950564, gnomAD 0.006%). This variant has not been reported in the literature in individuals affected with HMCN1-related conditions. ClinVar contains an entry for this variant (Variation ID: 1475043). An algorithm developed to predict the effect of missense changes on protein structure and function outputs the following: PolyPhen-2: "Possibly Damaging". The asparagine amino acid residue is found in multiple mammalian species, which suggests that this missense change does not adversely affect protein function. In summary, the available evidence is currently insufficient to determine the role of this variant in disease. Therefore, it has been classified as a Variant of Uncertain Significance.

Ambry Genetics
Classification: Uncertain significance. Last evaluated: 2024-06-18. Review status: criteria provided, single submitter. Criteria: Ambry Variant Classification Scheme 2023. Collection method: clinical testing. Allele origin: germline.

NM_031935.3(HMCN1):c.14185G>A (p.Asp4729Asn)

Gene: HMCN1 (hemicentin 1; plus strand). Cytogenetic location: 1q31.1.
Variant type: single nucleotide variant.
Coding change: c.14185G>A on transcript NM_031935.3 (MANE Select); coding-DNA position 14185, G replaced by A.
Protein change: p.Asp4729Asn; replaces aspartic acid 4729 with asparagine.
Molecular consequence: missense variant.
Genome position (GRCh38, 1-based): chr1:186,144,622, G>A. VCF-style: chr1-186144622-G-A. GRCh37 (hg19) VCF-style: chr1-186113754-G-A.
Other names: c.14185G>A (NM_031935.2); short protein forms D4729N.
Identifiers: ClinVar variation 1475043 (VCV001475043.7), dbSNP rs751950564, ClinGen allele CA1294878.